The following is an entry in ClinVar:

ClinVar aggregate classification (germline): Uncertain significance (1 of 4 stars; one submission).

Conditions:
RYR1-related disorder. Also called: RYR1-related condition; RYR1-related disorders. Identifiers: MedGen CN239331.

Submission:

Labcorp Genetics (formerly Invitae), Labcorp
Classification: Uncertain significance for RYR1-related disorder. Last evaluated: 2025-02-11. Review status: criteria provided, single submitter. Criteria: Invitae Variant Classification Sherloc (09022015). Collection method: clinical testing. Allele origin: germline.
Comment: This sequence change replaces arginine, which is basic and polar, with threonine, which is neutral and polar, at codon 1751 of the RYR1 protein (p.Arg1751Thr). This variant is not present in population databases (gnomAD no frequency). This variant has not been reported in the literature in individuals affected with RYR1-related conditions. Invitae Evidence Modeling of protein sequence and biophysical properties (such as structural, functional, and spatial information, amino acid conservation, physicochemical variation, residue mobility, and thermodynamic stability) indicates that this missense variant is not expected to disrupt RYR1 protein function with a negative predictive value of 95%. In summary, the available evidence is currently insufficient to determine the role of this variant in disease. Therefore, it has been classified as a Variant of Uncertain Significance.

NM_000540.3(RYR1):c.5252G>C (p.Arg1751Thr)

Gene: RYR1 (ryanodine receptor 1; plus strand). Cytogenetic location: 19q13.2.
Variant type: single nucleotide variant.
Coding change: c.5252G>C on transcript NM_000540.3 (MANE Select); coding-DNA position 5252, G replaced by C.
Protein change: p.Arg1751Thr; replaces arginine 1751 with threonine.
Molecular consequence: missense variant.
Genome position (GRCh38, 1-based): chr19:38,485,907, G>C. VCF-style: chr19-38485907-G-C. GRCh37 (hg19) VCF-style: chr19-38976547-G-C.
Other names: c.5252G>C, p.Arg1751Thr (NM_001042723.2); short protein forms R1751T.
Identifiers: ClinVar variation 4802121 (VCV004802121.1).
Genomic context (GRCh38, chr19:38,485,907, plus strand): 5'-CTGAATACATCGTGCCCCTCACGCCTGAGACCCGCGCCATCACGCTCTTCCCTCCTGGAA[G>C]GAGCACAGAAAATGGTCACCCCCGGCATGGCCTGCCGGGAGTTGGAGTCACCACTTCGCT-3'
Protein context (NP_000531.2, residues 1741-1761): TRAITLFPPG[Arg1751Thr]STENGHPRHG